The following is an entry in ClinVar:

NM_006231.4(POLE):c.5465A>G (p.Tyr1822Cys)

Gene: POLE (DNA polymerase epsilon, catalytic subunit; minus strand). Cytogenetic location: 12q24.33.
Variant type: single nucleotide variant.
Coding change: c.5465A>G on transcript NM_006231.4 (MANE Select); coding-DNA position 5465, A replaced by G.
Protein change: p.Tyr1822Cys; replaces tyrosine 1822 with cysteine.
Molecular consequence: missense variant.
Genome position (GRCh38, 1-based): chr12:132,639,212, T>C on the plus strand (A>G on the coding strand, the complement: POLE is on the minus strand). VCF-style: chr12-132639212-T-C. GRCh37 (hg19) VCF-style: chr12-133215798-T-C.
Other names: c.5465A>G (NM_006231.2); short protein forms Y1822C.
Identifiers: ClinVar variation 1358743 (VCV001358743.6), dbSNP rs1002181208, ClinGen allele CA246299780.

ClinVar aggregate classification (germline): Uncertain significance. Review status: criteria provided, multiple submitters, no conflicts (2 of 4 stars). 2 submissions from 2 submitters: Uncertain significance (2). Last evaluated 2024-04-08.

Conditions:
Hereditary cancer-predisposing syndrome. Also called: Tumor predisposition; Hereditary neoplastic syndrome; Neoplastic Syndromes, Hereditary; Hereditary Cancer Syndrome. Identifiers: Orphanet 140162, MedGen C0027672, MeSH D009386, MONDO:0015356.
Colorectal cancer, susceptibility to, 12 (CRCS12). Also called: COLORECTAL CANCER, SUSCEPTIBILITY TO, ON CHROMOSOME 12q24. Identifiers: Orphanet 220460, MedGen C3554460, MONDO:0014038, OMIM 615083.

Allele frequency attached by ClinVar (database versions not stated): TOPMed below 0.00001.
gnomAD v4.1: 1 of 1,614,030 alleles (0.000062%); highest among the groups gnomAD compares: African/African-American, 0.0013%; no homozygotes.

Submissions (2):

Ambry Genetics
Classification: Uncertain significance for Hereditary cancer-predisposing syndrome. Last evaluated: 2024-04-08. Review status: criteria provided, single submitter. Criteria: Ambry Variant Classification Scheme 2023. Collection method: clinical testing. Allele origin: germline.
Comment: The p.Y1822C variant (also known as c.5465A>G), located in coding exon 40 of the POLE gene, results from an A to G substitution at nucleotide position 5465. The tyrosine at codon 1822 is replaced by cysteine, an amino acid with highly dissimilar properties. This amino acid position is conserved. In addition, this alteration is predicted to be deleterious by in silico analysis. Based on the available evidence, the clinical significance of this variant remains unclear.

Labcorp Genetics (formerly Invitae), Labcorp
Classification: Uncertain significance for Colorectal cancer, susceptibility to, 12. Last evaluated: 2021-08-27. Review status: criteria provided, single submitter. Criteria: Invitae Variant Classification Sherloc (09022015). Collection method: clinical testing. Allele origin: germline.
Comment: This sequence change replaces tyrosine with cysteine at codon 1822 of the POLE protein (p.Tyr1822Cys). The tyrosine residue is highly conserved and there is a large physicochemical difference between tyrosine and cysteine. This variant is not present in population databases (ExAC no frequency). This variant has not been reported in the literature in individuals affected with POLE-related conditions. Algorithms developed to predict the effect of missense changes on protein structure and function are either unavailable or do not agree on the potential impact of this missense change (SIFT: "Tolerated"; PolyPhen-2: "Probably Damaging"; Align-GVGD: "Class C15"). In summary, the available evidence is currently insufficient to determine the role of this variant in disease. Therefore, it has been classified as a Variant of Uncertain Significance.